The following is an entry in ClinVar:

ClinVar aggregate classification (germline): Benign/Likely benign. Review status: criteria provided, multiple submitters, no conflicts (2 of 4 stars). 3 submissions from 3 submitters: Benign (2); Likely benign (1). Last evaluated 2026-01-22.

Allele frequency attached by ClinVar (database versions not stated): 1000 Genomes Project 30x 0.00281; ExAC 0.00287; 1000 Genomes Project 0.00300; gnomAD exomes 0.00311 and 0.00447; ESP Exome Variant Server 0.00372; gnomAD 0.00393 and 0.00399; TOPMed 0.00412.

Submissions (3):

Labcorp Genetics (formerly Invitae), Labcorp
Classification: Benign. Last evaluated: 2026-01-22. Review status: criteria provided, single submitter. Criteria: Invitae Variant Classification Sherloc (09022015). Collection method: clinical testing. Allele origin: germline.

CeGaT Center for Human Genetics Tuebingen
Classification: Likely benign. Last evaluated: 2023-04-01. Review status: criteria provided, single submitter. Criteria: CeGaT Center For Human Genetics Tuebingen Variant Classification Criteria Version 2. Collection method: clinical testing. Allele origin: germline. Affected: yes. Observed: 1 variant allele.
Comment: WDR87: PP2, BP4, BS2

Breakthrough Genomics
Classification: Benign. Review status: criteria provided, single submitter. Criteria: ACMG Guidelines, 2015. Collection method: not provided. Allele origin: germline. Inheritance: Unknown mechanism. Affected: yes.

NM_001291088.2(WDR87):c.6443G>A (p.Arg2148His)

Gene: WDR87 (WD repeat domain 87; minus strand). Cytogenetic location: 19q13.13.
Variant type: single nucleotide variant.
Coding change: c.6443G>A on transcript NM_001291088.2 (MANE Select); coding-DNA position 6443, G replaced by A.
Protein change: p.Arg2148His; replaces arginine 2148 with histidine.
Molecular consequence: missense variant.
Genome position (GRCh38, 1-based): chr19:37,887,228, C>T on the plus strand (G>A on the coding strand, the complement: WDR87 is on the minus strand). VCF-style: chr19-37887228-C-T. GRCh37 (hg19) VCF-style: chr19-38377868-C-T.
Other names: c.6326G>A, p.Arg2109His (NM_031951.5); short protein forms R2109H, R2148H.
Identifiers: ClinVar variation 1528876 (VCV001528876.32), dbSNP rs190908521, ClinGen allele CA9408512.